The following is an entry in ClinVar:

NM_001378778.1(MPDZ):c.1992C>A (p.Phe664Leu)

Gene: MPDZ (multiple PDZ domain crumbs cell polarity complex component; minus strand). Cytogenetic location: 9p23.
Variant type: single nucleotide variant.
Coding change: c.1992C>A on transcript NM_001378778.1 (MANE Select); coding-DNA position 1992, C replaced by A.
Protein change: p.Phe664Leu; replaces phenylalanine 664 with leucine.
Molecular consequence: missense variant.
Genome position (GRCh38, 1-based): chr9:13,190,276, G>T on the plus strand (C>A on the coding strand, the complement: MPDZ is on the minus strand). VCF-style: chr9-13190276-G-T. GRCh37 (hg19) VCF-style: chr9-13190275-G-T.
Other names: c.1992C>A (NM_003829.3); c.1992C>A, p.Phe664Leu (NM_001261406.2, NM_001261407.2, NM_001330637.2 and 14 more transcripts); short protein forms F664L.
Identifiers: ClinVar variation 730581 (VCV000730581.13), dbSNP rs201994361, ClinGen allele CA4987595.

ClinVar aggregate classification (germline): Likely benign. Review status: criteria provided, multiple submitters, no conflicts (2 of 4 stars). 3 submissions from 3 submitters: Likely benign (3). Last evaluated 2026-01-09.

Conditions:
MPDZ-related disorder. Also called: MPDZ-related condition.
Inborn genetic diseases. Identifiers: MedGen C0950123, MeSH D030342.

Allele frequency attached by ClinVar (database versions not stated): gnomAD exomes 0.00022 and 0.00008; ExAC 0.00023; 1000 Genomes Project 0.00040; 1000 Genomes Project 30x 0.00062; ESP Exome Variant Server 0.00064; gnomAD 0.00088 and 0.00096; TOPMed 0.00089.
gnomAD v4.1: 245 of 1,603,116 alleles (0.015%); highest among the groups gnomAD compares: African/African-American, 0.28%; 1 homozygote.

Submissions (3):

Labcorp Genetics (formerly Invitae), Labcorp
Classification: Likely benign. Last evaluated: 2026-01-09. Review status: criteria provided, single submitter. Criteria: Invitae Variant Classification Sherloc (09022015). Collection method: clinical testing. Allele origin: germline.

PreventionGenetics, part of Exact Sciences
Classification: Likely benign for MPDZ-related condition. Last evaluated: 2025-01-08. Review status: criteria provided, single submitter. Criteria: ACMG Guidelines, 2015. Collection method: clinical testing. Allele origin: germline.
Comment: This variant is classified as likely benign based on ACMG/AMP sequence variant interpretation guidelines (Richards et al. 2015 PMID: 25741868, with internal and published modifications).

Ambry Genetics
Classification: Likely benign for Inborn genetic diseases. Last evaluated: 2022-05-09. Review status: criteria provided, single submitter. Criteria: Ambry Variant Classification Scheme 2023. Collection method: clinical testing. Allele origin: germline.